The following is an entry in ClinVar:

NM_153700.2(STRC):c.4432A>C (p.Thr1478Pro)

Gene: STRC (stereocilin; minus strand). Cytogenetic location: 15q15.3.
Variant type: single nucleotide variant.
Coding change: c.4432A>C on transcript NM_153700.2 (MANE Select); coding-DNA position 4432, A replaced by C.
Protein change: p.Thr1478Pro; replaces threonine 1478 with proline.
Molecular consequence: missense variant.
Genome position (GRCh38, 1-based): chr15:43,603,355, T>G on the plus strand (A>C on the coding strand, the complement: STRC is on the minus strand). VCF-style: chr15-43603355-T-G. GRCh37 (hg19) VCF-style: chr15-43895553-T-G.
Other names: short protein forms T1478P.
Identifiers: ClinVar variation 504678 (VCV000504678.8), dbSNP rs148736697, ClinGen allele CA7528034.
Genomic context (GRCh38, chr15:43,603,355, plus strand): 5'-CTCCTGCAAATAATGTCAGGCAGTCCTCAAAGTCTGAGAGCTCCATCTCTGCAATCTGGG[T>G]TGCAGACCAGGCTGCTGGGAATGTCCCTCGTACATCTGCACAATTTGGCACAGGTTCTGA-3'
Protein context (NP_714544.1, residues 1468-1488): RGTFPAAWSA[Thr1478Pro]QIAEMELSDF

ClinVar aggregate classification (germline): Uncertain significance. Review status: criteria provided, multiple submitters, no conflicts (2 of 4 stars). 4 submissions from 4 submitters: Uncertain significance (4). Last evaluated 2026-06-04.

Conditions:
STRC-related disorder. Also called: STRC-related condition.
Inborn genetic diseases. Identifiers: MedGen C0950123, MeSH D030342.

Allele frequency attached by ClinVar (database versions not stated): gnomAD exomes 0.00005 and 0.00010; ExAC 0.00013; gnomAD 0.00054 and 0.00048; ESP Exome Variant Server 0.00062; TOPMed 0.00046.
gnomAD v4.1: 139 of 1,613,670 alleles (0.0086%); highest among the groups gnomAD compares: African/African-American, 0.18%; no homozygotes.

Submissions (4):

PreventionGenetics, part of Exact Sciences
Classification: Uncertain significance for STRC-related condition. Last evaluated: 2026-06-04. Review status: criteria provided, single submitter. Criteria: ACMG Guidelines, 2015. Collection method: clinical testing. Allele origin: germline.
Comment: The STRC c.4432A>C variant is predicted to result in the amino acid substitution p.Thr1478Pro. To our knowledge, this variant has not been reported in the literature. This variant is reported in 0.16% of alleles in individuals of African descent in gnomAD. Although we suspect that this variant may be benign, at this time, the clinical significance of this variant is uncertain due to the absence of conclusive functional and genetic evidence.

Blueprint Genetics
Classification: Uncertain significance. Last evaluated: 2024-11-11. Review status: criteria provided, single submitter. Criteria: ACMG Guidelines, 2015. Collection method: clinical testing. Allele origin: germline.

Ambry Genetics
Classification: Uncertain significance for Inborn genetic diseases. Last evaluated: 2023-10-05. Review status: criteria provided, single submitter. Criteria: Ambry Variant Classification Scheme 2023. Collection method: clinical testing. Allele origin: germline.

Laboratory for Molecular Medicine, Mass General Brigham Personalized Medicine
Classification: Uncertain significance. Last evaluated: 2018-01-25. Review status: criteria provided, single submitter. Criteria: LMM Criteria. Collection method: clinical testing. Allele origin: germline. Observed: 1 variant allele.
Comment: Variant classified as Uncertain Significance - Favor Benign. The p.Thr1478Pro va riant in STRC has not been previously reported in individuals with hearing loss, but has been identified in 0.2% (41/24010) of African chromosomes by the Genome Aggregation Database (gnomAD; dbSNP rs1487366 97). Although this variant has been seen in the general population, its frequenc y is not high enough to rule out a pathogenic role. Computational prediction too ls and conservation analysis do not provide strong support for or against an imp act to the protein. In summary, while the clinical significance of the p.Thr1478 Pro variant is uncertain, its frequency suggests that it is more likely to be be nign. ACMG/AMP Criteria applied: BS1_Supporting.